The following is an entry in ClinVar:

NM_004448.4(ERBB2):c.268C>A (p.Gln90Lys)

Gene: ERBB2 (erb-b2 receptor tyrosine kinase 2; plus strand). Cytogenetic location: 17q12.
Variant type: single nucleotide variant.
Coding change: c.268C>A on transcript NM_004448.4 (MANE Select); coding-DNA position 268, C replaced by A.
Protein change: p.Gln90Lys; replaces glutamine 90 with lysine.
Molecular consequence: missense variant. On other transcripts: non-coding transcript variant (1), intron variant (1).
Genome position (GRCh38, 1-based): chr17:39,708,363, C>A. VCF-style: chr17-39708363-C-A. GRCh37 (hg19) VCF-style: chr17-37864616-C-A.
Other names: c.178C>A, p.Gln60Lys (NM_001289938.2, NM_001382782.1, NM_001382783.1 and 1 more transcripts); c.268C>A, p.Gln90Lys (NM_001382784.1, NM_001382785.1, NM_001382786.1 and 19 more transcripts); c.259C>A, p.Gln87Lys (NM_001382791.1); c.74-3565C>A (NM_001382804.1); c.223C>A, p.Gln75Lys (NM_001289936.2); short protein forms Q90K, Q87K, Q60K, Q75K.
Identifiers: ClinVar variation 2901391 (VCV002901391.3), dbSNP rs2058587131, ClinGen allele CA399272016.
Genomic context (GRCh38, chr17:39,708,363, plus strand): 5'-TCTGCTTCCCCCTCCCAGGATATCCAGGAGGTGCAGGGCTACGTGCTCATCGCTCACAAC[C>A]AAGTGAGGCAGGTCCCACTGCAGAGGCTGCGGATTGTGCGAGGCACCCAGCTCTTTGAGG-3'
Protein context (NP_004439.2, residues 80-100): VQGYVLIAHN[Gln90Lys]VRQVPLQRLR

ClinVar aggregate classification (germline): Uncertain significance (1 of 4 stars; one submission).

Allele frequency attached by ClinVar (database versions not stated): gnomAD exomes below 0.00001.
gnomAD v4.1: 1 of 1,614,184 alleles (0.000062%); highest among the groups gnomAD compares: Non-Finnish European, 0.000085%; no homozygotes.

Submission:

Labcorp Genetics (formerly Invitae), Labcorp
Classification: Uncertain significance. Last evaluated: 2022-11-20. Review status: criteria provided, single submitter. Criteria: Invitae Variant Classification Sherloc (09022015). Collection method: clinical testing. Allele origin: germline.
Comment: In summary, the available evidence is currently insufficient to determine the role of this variant in disease. Therefore, it has been classified as a Variant of Uncertain Significance. Advanced modeling of protein sequence and biophysical properties (such as structural, functional, and spatial information, amino acid conservation, physicochemical variation, residue mobility, and thermodynamic stability) performed at Invitae indicates that this missense variant is not expected to disrupt ERBB2 protein function. This variant has not been reported in the literature in individuals affected with ERBB2-related conditions. This variant is not present in population databases (gnomAD no frequency). This sequence change replaces glutamine, which is neutral and polar, with lysine, which is basic and polar, at codon 90 of the ERBB2 protein (p.Gln90Lys).